The following is an entry in ClinVar:

ClinVar aggregate classification (germline): Uncertain significance. Review status: criteria provided, multiple submitters, no conflicts (2 of 4 stars). 3 submissions from 3 submitters: Uncertain significance (3). Last evaluated 2025-06-26.

Conditions:
Hereditary cancer-predisposing syndrome. Also called: Tumor predisposition; Neoplastic Syndromes, Hereditary; Hereditary Cancer Syndrome; Hereditary neoplastic syndrome. Identifiers: Orphanet 140162, MedGen C0027672, MeSH D009386, MONDO:0015356.
Ataxia-telangiectasia syndrome (AT). Also called: Ataxia-telangiectasia; Ataxia-telangiectasia, complementation group D; AT, COMPLEMENTATION GROUP C; LOUIS-BAR SYNDROME; Cerebello-oculocutaneous telangiectasia; Immunodeficiency with ataxia telangiectasia. Identifiers: Orphanet 100, MedGen C0004135, MONDO:0008840, OMIM 208900.

Submissions (3):

Ambry Genetics
Classification: Uncertain significance for Hereditary cancer-predisposing syndrome. Last evaluated: 2025-06-26. Review status: criteria provided, single submitter. Criteria: Ambry Variant Classification Scheme 2023. Collection method: clinical testing. Allele origin: germline.
Comment: The p.E73K variant (also known as c.217G>A), located in coding exon 3 of the ATM gene, results from a G to A substitution at nucleotide position 217. The glutamic acid at codon 73 is replaced by lysine, an amino acid with similar properties. This amino acid position is highly conserved in available vertebrate species. In addition, the in silico prediction for this alteration is inconclusive. Based on the available evidence, the clinical significance of this variant remains unclear.

Labcorp Genetics (formerly Invitae), Labcorp
Classification: Uncertain significance for Ataxia-telangiectasia syndrome. Last evaluated: 2025-03-05. Review status: criteria provided, single submitter. Criteria: Invitae Variant Classification Sherloc (09022015). Collection method: clinical testing. Allele origin: germline.
Comment: This sequence change replaces glutamic acid, which is acidic and polar, with lysine, which is basic and polar, at codon 73 of the ATM protein (p.Glu73Lys). This variant is not present in population databases (gnomAD no frequency). This variant has not been reported in the literature in individuals affected with ATM-related conditions. ClinVar contains an entry for this variant (Variation ID: 489523). Invitae Evidence Modeling of protein sequence and biophysical properties (such as structural, functional, and spatial information, amino acid conservation, physicochemical variation, residue mobility, and thermodynamic stability) indicates that this missense variant is not expected to disrupt ATM protein function with a negative predictive value of 95%. In summary, the available evidence is currently insufficient to determine the role of this variant in disease. Therefore, it has been classified as a Variant of Uncertain Significance.

Color Diagnostics, LLC DBA Color Health
Classification: Uncertain significance for Hereditary cancer-predisposing syndrome. Last evaluated: 2019-05-08. Review status: criteria provided, single submitter. Criteria: ACMG Guidelines, 2015. Collection method: clinical testing. Allele origin: germline.

NM_000051.4(ATM):c.217G>A (p.Glu73Lys)

Gene: ATM (ATM serine/threonine kinase; plus strand). Cytogenetic location: 11q22.3.
Variant type: single nucleotide variant.
Coding change: c.217G>A on transcript NM_000051.4 (MANE Select); coding-DNA position 217, G replaced by A.
Protein change: p.Glu73Lys; replaces glutamic acid 73 with lysine.
Molecular consequence: missense variant.
Genome position (GRCh38, 1-based): chr11:108,229,209, G>A. VCF-style: chr11-108229209-G-A. GRCh37 (hg19) VCF-style: chr11-108099936-G-A.
Other names: c.217G>A, p.Glu73Lys (NM_001351834.2, NM_001351835.2, NM_001351836.2); short protein forms E73K.
Identifiers: ClinVar variation 489523 (VCV000489523.12), dbSNP rs1555055119, ClinGen allele CA382521357.